The following is an entry in ClinVar:

ClinVar aggregate classification (germline): Uncertain significance. Review status: criteria provided, multiple submitters, no conflicts (2 of 4 stars). 2 submissions from 2 submitters: Uncertain significance (2). Last evaluated 2022-08-19.

Allele frequency attached by ClinVar (database versions not stated): gnomAD exomes 0.00001; gnomAD 0.00001; TOPMed 0.00001.
gnomAD v4.1: 10 of 1,604,314 alleles (0.00062%); highest among the groups gnomAD compares: South Asian, 0.0034%; no homozygotes.

Submissions (2):

Labcorp Genetics (formerly Invitae), Labcorp
Classification: Uncertain significance. Last evaluated: 2022-08-19. Review status: criteria provided, single submitter. Criteria: Invitae Variant Classification Sherloc (09022015). Collection method: clinical testing. Allele origin: germline.
Comment: This sequence change falls in intron 33 of the CDH23 gene. It does not directly change the encoded amino acid sequence of the CDH23 protein. It affects a nucleotide within the consensus splice site. This variant is present in population databases (no rsID available, gnomAD 0.001%). This variant has not been reported in the literature in individuals affected with CDH23-related conditions. Variants that disrupt the consensus splice site are a relatively common cause of aberrant splicing (PMID: 17576681, 9536098). Algorithms developed to predict the effect of sequence changes on RNA splicing suggest that this variant is not likely to affect RNA splicing. In summary, the available evidence is currently insufficient to determine the role of this variant in disease. Therefore, it has been classified as a Variant of Uncertain Significance.

Blueprint Genetics
Classification: Uncertain significance. Last evaluated: 2021-05-10. Review status: criteria provided, single submitter. Criteria: ACMG Guidelines, 2015. Collection method: clinical testing. Allele origin: germline.

Literature cited by the submitters: PubMed 17576681 (cited by Labcorp Genetics (formerly Invitae), Labcorp); PubMed 9536098 (cited by Labcorp Genetics (formerly Invitae), Labcorp).

NM_022124.6(CDH23):c.4206+3G>A

Genes: C10orf105 (chromosome 10 open reading frame 105; minus strand), CDH23 (cadherin related 23; plus strand). Cytogenetic location: 10q22.1.
Variant type: single nucleotide variant.
Coding change: c.4206+3G>A on transcript NM_022124.6 (MANE Select); 3 bases into the intron after coding-DNA position 4206, G replaced by A.
Molecular consequence: intron variant.
Genome position (GRCh38, 1-based): chr10:71,734,344, G>A. VCF-style: chr10-71734344-G-A. GRCh37 (hg19) VCF-style: chr10-73494101-G-A.
Other names: c.-6+3384C>T (NM_001168390.2).
Identifiers: ClinVar variation 1949171 (VCV001949171.3), dbSNP rs1453440582, ClinGen allele CA594322911.